The following is an entry in ClinVar:

NM_000059.4(BRCA2):c.471del (p.Lys157fs)

Gene: BRCA2 (BRCA2 DNA repair associated; plus strand). Cytogenetic location: 13q13.1.
Variant type: Deletion.
Coding change: c.471del on transcript NM_000059.4 (MANE Select); coding-DNA position 471, one base deleted (G; older notation c.471delG).
Protein change: p.Lys157fs; shifts the reading frame from lysine 157.
Molecular consequence: frameshift variant.
Genome position (GRCh38, 1-based): chr13:32,326,146, G deleted. VCF-style (leftmost placement, unchanged base first): chr13-32326145-AG-A. GRCh37 (hg19) VCF-style: chr13-32900282-AG-A.
Other names: c.471delG (NM_000059.3); short protein forms K157fs.
Identifiers: ClinVar variation 409440 (VCV000409440.12), dbSNP rs1060502395, ClinGen allele CA16613909.

ClinVar aggregate classification (germline): Pathogenic. Review status: reviewed by expert panel (3 of 4 stars). 3 submissions from 3 submitters: Pathogenic (1). 2 of the submissions do not count toward it. Last evaluated 2017-12-15.

Conditions:
Hereditary breast ovarian cancer syndrome. Also called: Hereditary breast and ovarian cancer syndrome; Hereditary breast and/or ovarian cancer syndrome; BRCA1- and BRCA2-Associated Hereditary Breast and Ovarian Cancer; Hereditary breast and ovarian cancer syndrome (HBOC); Hereditary breast and ovarian cancer; Breast and ovarian cancer. Identifiers: Orphanet 145, MedGen C0677776, MeSH D061325, MONDO:0003582. Disease mechanism: loss of function.
Hereditary cancer-predisposing syndrome. Also called: Hereditary neoplastic syndrome; Neoplastic Syndromes, Hereditary; Tumor predisposition; Hereditary Cancer Syndrome. Identifiers: Orphanet 140162, MedGen C0027672, MeSH D009386, MONDO:0015356.
Breast-ovarian cancer, familial, susceptibility to, 2 (BROVCA2). Also called: BRCA2 Hereditary Breast and Ovarian Cancer. Identifiers: Orphanet 145, MedGen C2675520, MONDO:0012933, OMIM 612555. Disease mechanism: loss of function.

Submissions (3):

Evidence-based Network for the Interpretation of Germline Mutant Alleles (ENIGMA)
Classification: Pathogenic for Breast-ovarian cancer, familial, susceptibility to, 2. Last evaluated: 2017-12-15. Review status: reviewed by expert panel. Criteria: ENIGMA BRCA1/2 Classification Criteria (2017-06-29). Collection method: curation. Allele origin: germline. Study: ENIGMA.
Comment: Variant allele predicted to encode a truncated non-functional protein.

Labcorp Genetics (formerly Invitae), Labcorp
Classification: Pathogenic for Hereditary breast ovarian cancer syndrome. Last evaluated: 2025-04-20. Review status: criteria provided, single submitter. Criteria: Invitae Variant Classification Sherloc (09022015). Collection method: clinical testing. Allele origin: germline. Not counted in ClinVar's aggregate classification.
Comment: This sequence change creates a premature translational stop signal (p.Lys157Asnfs*15) in the BRCA2 gene. It is expected to result in an absent or disrupted protein product. Loss-of-function variants in BRCA2 are known to be pathogenic (PMID: 20104584). This variant is not present in population databases (gnomAD no frequency). This variant has not been reported in the literature in individuals affected with BRCA2-related conditions. ClinVar contains an entry for this variant (Variation ID: 409440). For these reasons, this variant has been classified as Pathogenic.

Ambry Genetics
Classification: Pathogenic for Hereditary cancer-predisposing syndrome. Last evaluated: 2024-10-08. Review status: criteria provided, single submitter. Criteria: Ambry Variant Classification Scheme 2023. Collection method: clinical testing. Allele origin: germline. Not counted in ClinVar's aggregate classification.
Comment: The c.471delG pathogenic mutation, located in coding exon 4 of the BRCA2 gene, results from a deletion of one nucleotide at nucleotide position 471, causing a translational frameshift with a predicted alternate stop codon (p.K157Nfs*15). This alteration is expected to result in loss of function by premature protein truncation or nonsense-mediated mRNA decay. As such, this alteration is interpreted as a disease-causing mutation.

Literature cited by the submitters: PubMed 20104584 (cited by Labcorp Genetics (formerly Invitae), Labcorp).